The following is an entry in ClinVar:

NM_004304.5(ALK):c.322G>C (p.Val108Leu)

Gene: ALK (ALK receptor tyrosine kinase; minus strand). Cytogenetic location: 2p23.1.
Variant type: single nucleotide variant.
Coding change: c.322G>C on transcript NM_004304.5 (MANE Select); coding-DNA position 322, G replaced by C.
Protein change: p.Val108Leu; replaces valine 108 with leucine.
Molecular consequence: missense variant.
Genome position (GRCh38, 1-based): chr2:29,920,338, C>G on the plus strand (G>C on the coding strand, the complement: ALK is on the minus strand). VCF-style: chr2-29920338-C-G. GRCh37 (hg19) VCF-style: chr2-30143204-C-G.
Other names: short protein forms V108L.
Identifiers: ClinVar variation 3286192 (VCV003286192.1).
Genomic context (GRCh38, chr2:29,920,338, plus strand): 5'-TCAGCACCCTGGACAGCGTCCGGGCCTCTGCCGGGGCTGGTGAACCGGCGGTCCAGGAGA[C>G]CCCCGGCGCCGGCCCCAGCAACCTGAGCAGCGGGGCGCAGTCCAGAGCTAGCGAGCCGCG-3'
Protein context (NP_004295.2, residues 98-118): LLRLLGPAPG[Val108Leu]SWTAGSPAPA

ClinVar aggregate classification (germline): Uncertain significance (1 of 4 stars; one submission).

Conditions:
Hereditary cancer-predisposing syndrome. Also called: Tumor predisposition; Hereditary Cancer Syndrome; Hereditary neoplastic syndrome; Neoplastic Syndromes, Hereditary. Identifiers: Orphanet 140162, MedGen C0027672, MeSH D009386, MONDO:0015356.

Submission:

Ambry Genetics
Classification: Uncertain significance for Hereditary cancer-predisposing syndrome. Last evaluated: 2024-05-11. Review status: criteria provided, single submitter. Criteria: Ambry Variant Classification Scheme 2023. Collection method: clinical testing. Allele origin: germline.
Comment: The p.V108L variant (also known as c.322G>C), located in coding exon 1 of the ALK gene, results from a G to C substitution at nucleotide position 322. The valine at codon 108 is replaced by leucine, an amino acid with highly similar properties. This amino acid position is conserved. In addition, this alteration is predicted to be tolerated by in silico analysis. Based on the available evidence, the clinical significance of this variant remains unclear.